The following is an entry in ClinVar:

NM_001267550.2(TTN):c.83080C>T (p.Arg27694Cys)

Genes: TTN (titin; minus strand), TTN-AS1 (TTN antisense RNA 1; plus strand). Cytogenetic location: 2q31.2.
Variant type: single nucleotide variant.
Coding change: c.83080C>T on transcript NM_001267550.2 (MANE Select); coding-DNA position 83080, C replaced by T.
Protein change: p.Arg27694Cys; replaces arginine 27694 with cysteine.
Molecular consequence: missense variant.
Genome position (GRCh38, 1-based): chr2:178,563,052, G>A on the plus strand (C>T on the coding strand, the complement: TTN is on the minus strand). VCF-style: chr2-178563052-G-A. GRCh37 (hg19) VCF-style: chr2-179427779-G-A.
Other names: c.78157C>T, p.Arg26053Cys (NM_001256850.1); c.55885C>T, p.Arg18629Cys (NM_003319.4); c.75376C>T, p.Arg25126Cys (NM_133378.4); c.56260C>T, p.Arg18754Cys (NM_133432.3); c.56461C>T, p.Arg18821Cys (NM_133437.4); short protein forms R27694C, R25126C, R18754C, R26053C, R18821C, R18629C.
Identifiers: ClinVar variation 238851 (VCV000238851.21), dbSNP rs192360370, ClinGen allele CA1988974.

ClinVar aggregate classification (germline): Conflicting classifications of pathogenicity. Review status: criteria provided, conflicting classifications (1 of 4 stars). 9 submissions from 5 submitters: Uncertain significance (3); Benign (3); Likely benign (3). Last evaluated 2025-12-24.

Conditions:
Cardiovascular phenotype. Identifiers: MedGen CN230736.
TTN-related disorder. Also called: TTN-related condition; TTN-related disease; TTN-related disorders.
Autosomal recessive limb-girdle muscular dystrophy type 2J (LGMDR10). Also called: MUSCULAR DYSTROPHY, LIMB-GIRDLE, AUTOSOMAL RECESSIVE 10; Limb-girdle muscular dystrophy, type 2J. Identifiers: Orphanet 140922, MedGen C1837342, MONDO:0012127, OMIM 608807.
Dilated cardiomyopathy 1G (CMD1G). Identifiers: Orphanet 154, MedGen C1858763, MONDO:0011400, OMIM 604145.
Early-onset myopathy with fatal cardiomyopathy (CMYO5). Also called: CONGENITAL MYOPATHY 5 WITH CARDIOMYOPATHY; Salih Myopathy. Identifiers: Orphanet 289377, MedGen C2673677, MONDO:0012714, OMIM 611705. Disease mechanism: loss of function.
Myopathy, myofibrillar, 9, with early respiratory failure (MFM9). Also called: Myopathy, distal, with early respiratory failure, autosomal dominant; EDSTROM MYOPATHY; MYOPATHY, PROXIMAL, WITH EARLY RESPIRATORY MUSCLE INVOLVEMENT; Hereditary myopathy with early respiratory failure. Identifiers: Orphanet 178464, Orphanet 34521, MedGen C1863599, MONDO:0011362, OMIM 603689.
Tibial muscular dystrophy (TMD). Also called: Tibial muscular dystrophy, tardive; UDD MYOPATHY; Udd Distal Myopathy – Tibial Muscular Dystrophy. Identifiers: Orphanet 609, MedGen C1838244, MONDO:0010870, OMIM 600334.

Allele frequency attached by ClinVar (database versions not stated): ESP Exome Variant Server 0.00008; gnomAD 0.00008 and 0.00013; gnomAD exomes 0.00025 and 0.00031; TOPMed 0.00025; ExAC 0.00032; 1000 Genomes Project 30x 0.00047; 1000 Genomes Project 0.00060.
gnomAD v4.1: 369 of 1,613,592 alleles (0.023%); highest among the groups gnomAD compares: East Asian, 0.74%; 1 homozygote.

Submissions (9):

Labcorp Genetics (formerly Invitae), Labcorp
Classification: Likely benign for Dilated cardiomyopathy 1G; Autosomal recessive limb-girdle muscular dystrophy type 2J. Last evaluated: 2025-12-24. Review status: criteria provided, single submitter. Criteria: Invitae Variant Classification Sherloc (09022015). Collection method: clinical testing. Allele origin: germline.

PreventionGenetics, part of Exact Sciences
Classification: Likely benign for TTN-related condition. Last evaluated: 2025-06-09. Review status: criteria provided, single submitter. Criteria: ACMG Guidelines, 2015. Collection method: clinical testing. Allele origin: germline.
Comment: This variant is classified as likely benign based on ACMG/AMP sequence variant interpretation guidelines (Richards et al. 2015 PMID: 25741868, with internal and published modifications).

Ambry Genetics
Classification: Benign for Cardiovascular phenotype. Last evaluated: 2025-02-03. Review status: criteria provided, single submitter. Criteria: Ambry Variant Classification Scheme 2023. Collection method: clinical testing. Allele origin: germline.

GeneDx
Classification: Likely benign. Last evaluated: 2019-01-02. Review status: criteria provided, single submitter. Criteria: GeneDx Variant Classification Process June 2021. Collection method: clinical testing. Allele origin: germline. Affected: yes.

Illumina Laboratory Services, Illumina
Classification: Uncertain significance for Early-onset myopathy with fatal cardiomyopathy. Last evaluated: 2018-01-12. Review status: criteria provided, single submitter. Criteria: ICSL Variant Classification Criteria 13 December 2019. Collection method: clinical testing. Allele origin: germline.

Illumina Laboratory Services, Illumina
Classification: Uncertain significance for Autosomal recessive limb-girdle muscular dystrophy type 2J. Last evaluated: 2018-01-12. Review status: criteria provided, single submitter. Criteria: ICSL Variant Classification Criteria 13 December 2019. Collection method: clinical testing. Allele origin: germline.

Illumina Laboratory Services, Illumina
Classification: Uncertain significance for Dilated cardiomyopathy 1G. Last evaluated: 2018-01-12. Review status: criteria provided, single submitter. Criteria: ICSL Variant Classification Criteria 13 December 2019. Collection method: clinical testing. Allele origin: germline.

Illumina Laboratory Services, Illumina
Classification: Benign for Myopathy, myofibrillar, 9, with early respiratory failure. Last evaluated: 2018-01-12. Review status: criteria provided, single submitter. Criteria: ICSL Variant Classification Criteria 13 December 2019. Collection method: clinical testing. Allele origin: germline.
Comment: This variant was observed in the ICSL laboratory as part of a predisposition screen in an ostensibly healthy population. It had not been previously curated by ICSL or reported in the Human Gene Mutation Database (HGMD: prior to June 1st, 2018), and was therefore a candidate for classification through an automated scoring system. Utilizing variant allele frequency, disease prevalence and penetrance estimates, and inheritance mode, an automated score was calculated to assess if this variant is too frequent to cause the disease. Based on the score and internal cut-off values, a variant classified as benign is not then subjected to further curation. The score for this variant resulted in a classification of benign for this disease.

Illumina Laboratory Services, Illumina
Classification: Benign for Tibial muscular dystrophy. Last evaluated: 2018-01-12. Review status: criteria provided, single submitter. Criteria: ICSL Variant Classification Criteria 13 December 2019. Collection method: clinical testing. Allele origin: germline.
Comment: the same text as in the submission from Illumina Laboratory Services, Illumina above.